The following is an entry in ClinVar:

NM_024700.4(SNIP1):c.364C>G (p.Arg122Gly)

Genes: SNIP1 (Smad nuclear interacting protein 1; minus strand), LOC126805704 (BRD4-independent group 4 enhancer GRCh37_chr1:38005292-38006491; plus strand). Cytogenetic location: 1p34.3.
Variant type: single nucleotide variant.
Coding change: c.364C>G on transcript NM_024700.4 (MANE Select); coding-DNA position 364, C replaced by G.
Protein change: p.Arg122Gly; replaces arginine 122 with glycine.
Molecular consequence: missense variant.
Genome position (GRCh38, 1-based): chr1:37,540,719, G>C on the plus strand (C>G on the coding strand, the complement: SNIP1 is on the minus strand). VCF-style: chr1-37540719-G-C. GRCh37 (hg19) VCF-style: chr1-38006320-G-C.
Other names: short protein forms R122G.
Identifiers: ClinVar variation 1446234 (VCV001446234.6), dbSNP rs370698062, ClinGen allele CA771347.
Genomic context (GRCh38, chr1:37,540,719, plus strand): 5'-TGTCCCGGTCACTGTTCCTAGCTCTCCTGTGTTCCTGTTCTGATGGTTCCCTGTGCTGCC[G>C]ATCCTCCCGTCCTCTCCGGGGATGATCCTCACGCTCCTAAAATTCAAACAGATTCTGTAA-3'
Protein context (NP_078976.2, residues 112-132): EDHPRRGRED[Arg122Gly]QHREPSEQEH

ClinVar aggregate classification (germline): Uncertain significance (1 of 4 stars; one submission).

Allele frequency attached by ClinVar (database versions not stated): ExAC 0.00002; gnomAD exomes 0.00002; ESP Exome Variant Server 0.00008.

Submission:

Labcorp Genetics (formerly Invitae), Labcorp
Classification: Uncertain significance. Last evaluated: 2025-03-31. Review status: criteria provided, single submitter. Criteria: Invitae Variant Classification Sherloc (09022015). Collection method: clinical testing. Allele origin: germline.
Comment: This sequence change replaces arginine, which is basic and polar, with glycine, which is neutral and non-polar, at codon 122 of the SNIP1 protein (p.Arg122Gly). This variant is present in population databases (rs370698062, gnomAD 0.006%). This variant has not been reported in the literature in individuals affected with SNIP1-related conditions. ClinVar contains an entry for this variant (Variation ID: 1446234). Invitae Evidence Modeling of protein sequence and biophysical properties (such as structural, functional, and spatial information, amino acid conservation, physicochemical variation, residue mobility, and thermodynamic stability) indicates that this missense variant is not expected to disrupt SNIP1 protein function with a negative predictive value of 80%. In summary, the available evidence is currently insufficient to determine the role of this variant in disease. Therefore, it has been classified as a Variant of Uncertain Significance.